The following is an entry in ClinVar:

ClinVar aggregate classification (germline): Uncertain significance (1 of 4 stars; one submission).

Allele frequency attached by ClinVar (database versions not stated): gnomAD exomes below 0.00001.
gnomAD v4.1: 1 of 1,614,164 alleles (0.000062%); highest among the groups gnomAD compares: Non-Finnish European, 0.000085%; no homozygotes.

Submission:

Labcorp Genetics (formerly Invitae), Labcorp
Classification: Uncertain significance. Last evaluated: 2022-02-24. Review status: criteria provided, single submitter. Criteria: Invitae Variant Classification Sherloc (09022015). Collection method: clinical testing. Allele origin: germline.
Comment: In summary, the available evidence is currently insufficient to determine the role of this variant in disease. Therefore, it has been classified as a Variant of Uncertain Significance. Algorithms developed to predict the effect of missense changes on protein structure and function are either unavailable or do not agree on the potential impact of this missense change (SIFT: "Tolerated"; PolyPhen-2: "Probably Damaging"; Align-GVGD: "Class C0"). This variant has not been reported in the literature in individuals affected with NFIA-related conditions. This variant is not present in population databases (gnomAD no frequency). This sequence change replaces glutamine, which is neutral and polar, with lysine, which is basic and polar, at codon 155 of the NFIA protein (p.Gln155Lys).

NM_001134673.4(NFIA):c.463C>A (p.Gln155Lys)

Gene: NFIA (nuclear factor I A; plus strand). Cytogenetic location: 1p31.3.
Variant type: single nucleotide variant.
Coding change: c.463C>A on transcript NM_001134673.4 (MANE Select); coding-DNA position 463, C replaced by A.
Protein change: p.Gln155Lys; replaces glutamine 155 with lysine.
Molecular consequence: missense variant.
Genome position (GRCh38, 1-based): chr1:61,088,584, C>A. VCF-style: chr1-61088584-C-A. GRCh37 (hg19) VCF-style: chr1-61554256-C-A.
Other names: c.439C>A, p.Gln147Lys (NM_001145511.2); c.598C>A, p.Gln200Lys (NM_001145512.2); c.463C>A, p.Gln155Lys (NM_005595.5); short protein forms Q147K, Q155K, Q200K.
Identifiers: ClinVar variation 1385159 (VCV001385159.6), dbSNP rs2100414813, ClinGen allele CA340587104.